The following is an entry in ClinVar:

ClinVar aggregate classification (germline): Uncertain significance (1 of 4 stars; one submission).

Conditions:
Nephronophthisis 3 (NPHP3). Also called: Adolescent nephronophthisis. Identifiers: Orphanet 655, MedGen C1858392, MONDO:0011456, OMIM 604387.

Submission:

3billion
Classification: Uncertain significance for Nephronophthisis 3. Last evaluated: 2025-08-07. Review status: criteria provided, single submitter. Criteria: ACMG Guidelines, 2015. Collection method: clinical testing. Allele origin: germline. Affected: yes.
Comment: The variant is not observed in the gnomAD v4.1.0 dataset. Predicted Consequence/Location: Missense variant. In silico tool predictions suggest damaging effect of the variant on gene or gene product [REVEL: 0.62 (>=0.6, sensitivity 0.68 and specificity 0.92)]. Therefore, this variant is classified as VUS according to the recommendation of ACMG/AMP guideline.

NM_153240.5(NPHP3):c.3408G>T (p.Gln1136His)

Genes: NPHP3 (nephrocystin 3; minus strand), NPHP3-ACAD11 (NPHP3-ACAD11 readthrough (NMD candidate); minus strand). Cytogenetic location: 3q22.1.
Variant type: single nucleotide variant.
Coding change: c.3408G>T on transcript NM_153240.5 (MANE Select); coding-DNA position 3408, G replaced by T.
Protein change: p.Gln1136His; replaces glutamine 1136 with histidine.
Molecular consequence: missense variant. On other transcripts: non-coding transcript variant (1).
Genome position (GRCh38, 1-based): chr3:132,684,716, C>A on the plus strand (G>T on the coding strand, the complement: NPHP3 is on the minus strand). VCF-style: chr3-132684716-C-A. GRCh37 (hg19) VCF-style: chr3-132403560-C-A.
Other names: short protein forms Q1136H.
Identifiers: ClinVar variation 4854845 (VCV004854845.1).